The following is an entry in ClinVar:

ClinVar aggregate classification (germline): Uncertain significance. Review status: criteria provided, multiple submitters, no conflicts (2 of 4 stars). 2 submissions from 2 submitters: Uncertain significance (2). Last evaluated 2022-07-19.

Allele frequency attached by ClinVar (database versions not stated): gnomAD exomes below 0.00001 and 0.00001; TOPMed below 0.00001; ExAC 0.00001; gnomAD 0.00001.
gnomAD v4.1: 2 of 1,614,218 alleles (0.00012%); highest among the groups gnomAD compares: Non-Finnish European, 0.00017%; no homozygotes.

Submissions (2):

Labcorp Genetics (formerly Invitae), Labcorp
Classification: Uncertain significance. Last evaluated: 2022-07-19. Review status: criteria provided, single submitter. Criteria: Invitae Variant Classification Sherloc (09022015). Collection method: clinical testing. Allele origin: germline.
Comment: This variant has not been reported in the literature in individuals affected with PRPF4-related conditions. This variant is present in population databases (rs773856201, gnomAD 0.002%). This sequence change replaces glycine, which is neutral and non-polar, with aspartic acid, which is acidic and polar, at codon 321 of the PRPF4 protein (p.Gly321Asp). ClinVar contains an entry for this variant (Variation ID: 959417). In summary, the available evidence is currently insufficient to determine the role of this variant in disease. Therefore, it has been classified as a Variant of Uncertain Significance. Algorithms developed to predict the effect of missense changes on protein structure and function are either unavailable or do not agree on the potential impact of this missense change (SIFT: "Tolerated"; PolyPhen-2: "Possibly Damaging"; Align-GVGD: "Class C0").

Blueprint Genetics
Classification: Uncertain significance. Last evaluated: 2020-10-02. Review status: criteria provided, single submitter. Criteria: ACMG Guidelines, 2015. Collection method: clinical testing. Allele origin: germline.

NM_001244926.2(PRPF4):c.959G>A (p.Gly320Asp)

Gene: PRPF4 (pre-mRNA splicing tri-snRNP complex factor PRPF4; plus strand). Cytogenetic location: 9q32.
Variant type: single nucleotide variant.
Coding change: c.959G>A on transcript NM_001244926.2 (MANE Select); coding-DNA position 959, G replaced by A.
Protein change: p.Gly320Asp; replaces glycine 320 with aspartic acid.
Molecular consequence: missense variant. On other transcripts: non-coding transcript variant (2).
Genome position (GRCh38, 1-based): chr9:113,288,201, G>A. VCF-style: chr9-113288201-G-A. GRCh37 (hg19) VCF-style: chr9-116050481-G-A.
Other names: c.233G>A, p.Gly78Asp (NM_001322266.2, NM_001322267.2); c.962G>A, p.Gly321Asp (NM_004697.5); short protein forms G78D, G321D, G320D.
Identifiers: ClinVar variation 959417 (VCV000959417.10), dbSNP rs773856201, ClinGen allele CA5195055.